The following is an entry in ClinVar:

NM_005506.4(SCARB2):c.508A>T (p.Thr170Ser)

Gene: SCARB2 (scavenger receptor class B member 2; minus strand). Cytogenetic location: 4q21.1.
Variant type: single nucleotide variant.
Coding change: c.508A>T on transcript NM_005506.4 (MANE Select); coding-DNA position 508, A replaced by T.
Protein change: p.Thr170Ser; replaces threonine 170 with serine.
Molecular consequence: missense variant. On other transcripts: intron variant (1).
Genome position (GRCh38, 1-based): chr4:76,179,621, T>A on the plus strand (A>T on the coding strand, the complement: SCARB2 is on the minus strand). VCF-style: chr4-76179621-T-A. GRCh37 (hg19) VCF-style: chr4-77100774-T-A.
Other names: c.276-3711A>T (NM_001204255.2); short protein forms T170S.
Identifiers: ClinVar variation 1351255 (VCV001351255.6), dbSNP rs2109947296, ClinGen allele CA357326872.

ClinVar aggregate classification (germline): Uncertain significance (1 of 4 stars; one submission).

Conditions:
Progressive myoclonic epilepsy. Also called: Familial progressive myoclonic epilepsy; Myoclonic Epilepsies, Progressive; Progressive myoclonus epilepsy; Myoclonus epilepsy. Identifiers: Orphanet 308, Orphanet 98261, MedGen C0751778, MONDO:0020074.

Submission:

Labcorp Genetics (formerly Invitae), Labcorp
Classification: Uncertain significance for Progressive myoclonic epilepsy. Last evaluated: 2021-09-15. Review status: criteria provided, single submitter. Criteria: Invitae Variant Classification Sherloc (09022015). Collection method: clinical testing. Allele origin: germline.
Comment: In summary, the available evidence is currently insufficient to determine the role of this variant in disease. Therefore, it has been classified as a Variant of Uncertain Significance. Algorithms developed to predict the effect of missense changes on protein structure and function are either unavailable or do not agree on the potential impact of this missense change (SIFT: "Tolerated"; PolyPhen-2: "Possibly Damaging"; Align-GVGD: "Class C0"). This variant has not been reported in the literature in individuals affected with SCARB2-related conditions. This variant is not present in population databases (ExAC no frequency). This sequence change replaces threonine with serine at codon 170 of the SCARB2 protein (p.Thr170Ser). The threonine residue is moderately conserved and there is a small physicochemical difference between threonine and serine.